The following is an entry in ClinVar:

ClinVar aggregate classification (germline): Likely benign. Review status: criteria provided, multiple submitters, no conflicts (2 of 4 stars). 6 submissions from 6 submitters: Likely benign (6). Last evaluated 2026-09-01.

Conditions:
Cardiovascular phenotype. Identifiers: MedGen CN230736.
Dilated cardiomyopathy 1O (CMD1O). Also called: CARDIOMYOPATHY, DILATED, WITH VENTRICULAR TACHYCARDIA. Identifiers: Orphanet 154, MedGen C1837839, MONDO:0012062, OMIM 608569.

Allele frequency attached by ClinVar (database versions not stated): ExAC 0.00001; gnomAD exomes 0.00001 and 0.00002; TOPMed 0.00003; gnomAD 0.00004; 1000 Genomes Project 30x 0.00016; 1000 Genomes Project 0.00020.
gnomAD v4.1: 27 of 1,613,792 alleles (0.0017%); highest among the groups gnomAD compares: Admixed American, 0.027%; no homozygotes.

Submissions (6):

CeGaT Center for Human Genetics Tuebingen
Classification: Likely benign. Last evaluated: 2026-09-01. Review status: criteria provided, single submitter. Criteria: CeGaT Center For Human Genetics Tuebingen Variant Classification Criteria Version 2. Collection method: clinical testing. Allele origin: germline. Affected: yes. Observed: 2 variant alleles.
Comment: ABCC9: BP4, BP7

Labcorp Genetics (formerly Invitae), Labcorp
Classification: Likely benign for Dilated cardiomyopathy 1O. Last evaluated: 2025-08-10. Review status: criteria provided, single submitter. Criteria: Invitae Variant Classification Sherloc (09022015). Collection method: clinical testing. Allele origin: germline.

Blueprint Genetics
Classification: Likely benign. Last evaluated: 2024-07-11. Review status: criteria provided, single submitter. Criteria: ACMG Guidelines, 2015. Collection method: clinical testing. Allele origin: germline.

GeneDx
Classification: Likely benign. Last evaluated: 2021-01-06. Review status: criteria provided, single submitter. Criteria: GeneDx Variant Classification Process June 2021. Collection method: clinical testing. Allele origin: germline. Affected: yes.

Laboratory for Molecular Medicine, Mass General Brigham Personalized Medicine
Classification: Likely benign. Last evaluated: 2020-06-14. Review status: criteria provided, single submitter. Criteria: LMM Criteria. Collection method: clinical testing. Allele origin: germline. Observed: 1 variant allele.
Comment: Leu719Leu in exon 16 of ABCC9: This variant is not expected to have clinical significance because it does not alter an amino acid residue and is not located within the splice consensus sequence and computational splice prediction tools do not predict an impact on splicing. It has been identified in 0.009% (3/34588) of Latino chromosomes by gnomAD. ACMG/AMP Criteria applied: BP4, BP7.

Ambry Genetics
Classification: Likely benign for Cardiovascular phenotype. Last evaluated: 2019-10-05. Review status: criteria provided, single submitter. Criteria: Ambry Variant Classification Scheme 2023. Collection method: clinical testing. Allele origin: germline.

NM_020297.4(ABCC9):c.2157C>T (p.Leu719=)

Gene: ABCC9 (ATP binding cassette subfamily C member 9; minus strand). Cytogenetic location: 12p12.1.
Variant type: single nucleotide variant.
Coding change: c.2157C>T on transcript NM_020297.4 (MANE Select); coding-DNA position 2157, C replaced by T.
Protein change: p.Leu719=; no amino-acid change (leucine 719 retained).
Molecular consequence: synonymous variant.
Genome position (GRCh38, 1-based): chr12:21,872,666, G>A on the plus strand (C>T on the coding strand, the complement: ABCC9 is on the minus strand). VCF-style: chr12-21872666-G-A. GRCh37 (hg19) VCF-style: chr12-22025600-G-A.
Other names: c.2157C>T, p.Leu719= (NM_001377273.1, NM_005691.4); c.1293C>T, p.Leu431= (NM_001377274.1).
Identifiers: ClinVar variation 464659 (VCV000464659.24), dbSNP rs201848437, ClinGen allele CA6481482.